The following is an entry in ClinVar:

ClinVar aggregate classification (germline): Conflicting classifications of pathogenicity. Review status: criteria provided, conflicting classifications (1 of 4 stars). 2 submissions from 2 submitters: Uncertain significance (1); Benign (1). Last evaluated 2025-03-30.

Allele frequency attached by ClinVar (database versions not stated): gnomAD exomes below 0.00001; TOPMed below 0.00001; ExAC 0.00001; gnomAD 0.00001.

Submissions (2):

Labcorp Genetics (formerly Invitae), Labcorp
Classification: Benign. Last evaluated: 2025-03-30. Review status: criteria provided, single submitter. Criteria: Invitae Variant Classification Sherloc (09022015). Collection method: clinical testing. Allele origin: germline.

GeneDx
Classification: Uncertain significance. Last evaluated: 2021-12-17. Review status: criteria provided, single submitter. Criteria: GeneDx Variant Classification Process June 2021. Collection method: clinical testing. Allele origin: germline. Affected: yes.
Comment: Not observed at significant frequency in large population cohorts (gnomAD); In silico analysis supports that this missense variant does not alter protein structure/function; Has not been previously published as pathogenic or benign to our knowledge

NM_001854.4(COL11A1):c.534G>C (p.Met178Ile)

Gene: COL11A1 (collagen type XI alpha 1 chain; minus strand). Cytogenetic location: 1p21.1.
Variant type: single nucleotide variant.
Coding change: c.534G>C on transcript NM_001854.4 (MANE Select); coding-DNA position 534, G replaced by C.
Protein change: p.Met178Ile; replaces methionine 178 with isoleucine.
Genome position (GRCh38, 1-based): chr1:103,074,735, C>G on the plus strand (G>C on the coding strand, the complement: COL11A1 is on the minus strand). VCF-style: chr1-103074735-C-G. GRCh37 (hg19) VCF-style: chr1-103540291-C-G.
Other names: c.534G>C, p.Met178Ile (NM_080629.3, NM_080630.4, NM_001190709.2); short protein forms M178I.
Identifiers: ClinVar variation 1691807 (VCV001691807.4), dbSNP rs758827956, ClinGen allele CA975418.